The following is an entry in ClinVar:

NM_001854.4(COL11A1):c.5220G>C (p.Glu1740Asp)

Genes: COL11A1 (collagen type XI alpha 1 chain; minus strand), LOC126805814 (P300/CBP strongly-dependent group 1 enhancer GRCh37_chr1:103344928-103346127; plus strand). Cytogenetic location: 1p21.1.
Variant type: single nucleotide variant.
Coding change: c.5220G>C on transcript NM_001854.4 (MANE Select); coding-DNA position 5220, G replaced by C.
Protein change: p.Glu1740Asp; replaces glutamic acid 1740 with aspartic acid.
Molecular consequence: missense variant. On other transcripts: non-coding transcript variant (1).
Genome position (GRCh38, 1-based): chr1:102,879,737, C>G on the plus strand (G>C on the coding strand, the complement: COL11A1 is on the minus strand). VCF-style: chr1-102879737-C-G. GRCh37 (hg19) VCF-style: chr1-103345293-C-G.
Other names: c.5103G>C, p.Glu1701Asp (NM_001190709.2); c.5220G>C (NM_001854.3); c.5256G>C, p.Glu1752Asp (NM_080629.3); c.4872G>C, p.Glu1624Asp (NM_080630.4); short protein forms E1624D, E1752D, E1701D, E1740D.
Identifiers: ClinVar variation 1524937 (VCV001524937.7), dbSNP rs1410685406, ClinGen allele CA341210844.
Genomic context (GRCh38, chr1:102,879,737, plus strand): 5'-ACTCACCGCACAACCATCATACAGTGTTTTGATAAAAGGATTATTGTCATAGGACATCTC[C>G]TCATCATTTGATCCCAGGAAGCGAAGTGCTTTGTCATAACTTCCTGATGACACATCATAC-3'
Protein context (NP_001845.3, residues 1730-1750): KALRFLGSND[Glu1740Asp]EMSYDNNPFI

ClinVar aggregate classification (germline): Uncertain significance. Review status: criteria provided, multiple submitters, no conflicts (2 of 4 stars). 2 submissions from 2 submitters: Uncertain significance (2). Last evaluated 2025-01-21.

Conditions:
Inborn genetic diseases. Identifiers: MedGen C0950123, MeSH D030342.

Submissions (2):

Ambry Genetics
Classification: Uncertain significance for Inborn genetic diseases. Last evaluated: 2025-01-21. Review status: criteria provided, single submitter. Criteria: Ambry Variant Classification Scheme 2023. Collection method: clinical testing. Allele origin: germline.

Labcorp Genetics (formerly Invitae), Labcorp
Classification: Uncertain significance. Last evaluated: 2023-12-11. Review status: criteria provided, single submitter. Criteria: Invitae Variant Classification Sherloc (09022015). Collection method: clinical testing. Allele origin: germline.
Comment: This sequence change replaces glutamic acid, which is acidic and polar, with aspartic acid, which is acidic and polar, at codon 1740 of the COL11A1 protein (p.Glu1740Asp). This variant is not present in population databases (gnomAD no frequency). This variant has not been reported in the literature in individuals affected with COL11A1-related conditions. ClinVar contains an entry for this variant (Variation ID: 1524937). Advanced modeling of protein sequence and biophysical properties (such as structural, functional, and spatial information, amino acid conservation, physicochemical variation, residue mobility, and thermodynamic stability) performed at Invitae indicates that this missense variant is not expected to disrupt COL11A1 protein function with a negative predictive value of 95%. In summary, the available evidence is currently insufficient to determine the role of this variant in disease. Therefore, it has been classified as a Variant of Uncertain Significance.